The following is an entry in ClinVar:

NM_002691.4(POLD1):c.1350C>A (p.Ser450Arg)

Gene: POLD1 (DNA polymerase delta 1, catalytic subunit; plus strand). Cytogenetic location: 19q13.33.
Variant type: single nucleotide variant.
Coding change: c.1350C>A on transcript NM_002691.4 (MANE Select); coding-DNA position 1350, C replaced by A.
Protein change: p.Ser450Arg; replaces serine 450 with arginine.
Molecular consequence: missense variant. On other transcripts: non-coding transcript variant (1).
Genome position (GRCh38, 1-based): chr19:50,406,289, C>A. VCF-style: chr19-50406289-C-A. GRCh37 (hg19) VCF-style: chr19-50909546-C-A.
Other names: c.1350C>A, p.Ser450Arg (NM_001256849.1, NM_001308632.1); short protein forms S450R.
Identifiers: ClinVar variation 839854 (VCV000839854.9), dbSNP rs2038876789, ClinGen allele CA406979926.
Genomic context (GRCh38, chr19:50,406,289, plus strand): 5'-CATCCGGGACTCTTCATTCCAGTCCAAGCAGACGGGCCGGCGGGACACCAAGGTTGTCAG[C>A]ATGGTGGGCCGCGTGCAGATGGACATGCTGCAGGTATGGGCGGGAGGTGGGGTGTGTCCC-3'
Protein context (NP_002682.2, residues 440-460): QTGRRDTKVV[Ser450Arg]MVGRVQMDML

ClinVar aggregate classification (germline): Uncertain significance (1 of 4 stars; one submission).

Conditions:
POLD1-related polyposis and colorectal cancer syndrome (CRCS10). Also called: Colorectal cancer 10; COLORECTAL CANCER, SUSCEPTIBILITY TO, ON CHROMOSOME 19q; Colorectal cancer, susceptibility to, 10. Identifiers: Orphanet 220460, MedGen C2675481, MONDO:0012953, OMIM 612591.

Submission:

Labcorp Genetics (formerly Invitae), Labcorp
Classification: Uncertain significance for POLD1-related polyposis and colorectal cancer syndrome. Last evaluated: 2024-10-12. Review status: criteria provided, single submitter. Criteria: Invitae Variant Classification Sherloc (09022015). Collection method: clinical testing. Allele origin: germline.
Comment: This sequence change replaces serine, which is neutral and polar, with arginine, which is basic and polar, at codon 450 of the POLD1 protein (p.Ser450Arg). This variant is not present in population databases (gnomAD no frequency). This variant has not been reported in the literature in individuals affected with POLD1-related conditions. ClinVar contains an entry for this variant (Variation ID: 839854). Invitae Evidence Modeling of protein sequence and biophysical properties (such as structural, functional, and spatial information, amino acid conservation, physicochemical variation, residue mobility, and thermodynamic stability) indicates that this missense variant is not expected to disrupt POLD1 protein function with a negative predictive value of 80%. In summary, the available evidence is currently insufficient to determine the role of this variant in disease. Therefore, it has been classified as a Variant of Uncertain Significance.